The following is an entry in ClinVar:

NM_000540.3(RYR1):c.10687-2A>G

Gene: RYR1 (ryanodine receptor 1; plus strand). Cytogenetic location: 19q13.2.
Variant type: single nucleotide variant.
Coding change: c.10687-2A>G on transcript NM_000540.3 (MANE Select); the canonical splice acceptor site of the intron before coding-DNA position 10687, A replaced by G.
Molecular consequence: splice acceptor variant.
Genome position (GRCh38, 1-based): chr19:38,527,645, A>G. VCF-style: chr19-38527645-A-G. GRCh37 (hg19) VCF-style: chr19-39018285-A-G.
Other names: c.10672-2A>G (NM_001042723.2).
Identifiers: ClinVar variation 663778 (VCV000663778.25), dbSNP rs1600930323, ClinGen allele CA405646422.

ClinVar aggregate classification (germline): Likely pathogenic. Review status: criteria provided, single submitter (1 of 4 stars). 2 submissions from 2 submitters: Likely pathogenic (1). 1 of the submissions does not count toward it. Last evaluated 2021-03-24.

Conditions:
Malignant hyperthermia, susceptibility to, 1 (MHS1). Also called: Malignant hyperthermia suceptibility 1; RYR1-Related Malignant Hyperthermia Susceptibility; Anesthesia related hyperthermia; Malignant hyperpyrexia; Fulminating hyperpyrexia; Pharmacogenic myopathy. Identifiers: Orphanet 423, MedGen C2930980, MONDO:0007783, OMIM 145600.
RYR1-related disorder. Also called: RYR1-related condition; RYR1-related disorders. Identifiers: MedGen CN239331.

Submissions (2):

Labcorp Genetics (formerly Invitae), Labcorp
Classification: Likely pathogenic for RYR1-related disorder. Last evaluated: 2021-03-24. Review status: criteria provided, single submitter. Criteria: Invitae Variant Classification Sherloc (09022015). Collection method: clinical testing. Allele origin: germline.
Comment: In summary, the currently available evidence indicates that the variant is pathogenic, but additional data are needed to prove that conclusively. Therefore, this variant has been classified as Likely Pathogenic. Donor and acceptor splice site variants typically lead to a loss of protein function (PMID: 16199547), and loss-of-function variants in RYR1 are known to be pathogenic (PMID: 20583297, 23919265). This sequence change affects an acceptor splice site in intron 72 of the RYR1 gene. It is expected to disrupt RNA splicing and likely results in an absent or disrupted protein product. This variant is not present in population databases (ExAC no frequency). This variant has not been reported in the literature in individuals with RYR1-related conditions. Algorithms developed to predict the effect of sequence changes on RNA splicing suggest that this variant may disrupt the consensus splice site, but this prediction has not been confirmed by published transcriptional studies.

deCODE genetics, Amgen
Classification: Likely pathogenic for Malignant hyperthermia, susceptibility to, 1. Last evaluated: 2023-07-21. Review status: no assertion criteria provided. Collection method: research. Allele origin: germline. Affected: yes. Observed: 4 variant alleles. Not counted in ClinVar's aggregate classification.
Comment: The variant NM_000540.3:c.10687-2A>G (chr19:38527645) in RYR1 was detected in 3 heterozygotes out of 58K WGS Icelanders (MAF= 0,003%). This variant has been reported in ClinVar previously as likely pathogenic. Based on ACMG criteria (PVS1, PM2) this variant classifies as likely pathogenic.

Literature cited by the submitters: PubMed 16199547 (cited by Labcorp Genetics (formerly Invitae), Labcorp); PubMed 20583297 (cited by Labcorp Genetics (formerly Invitae), Labcorp); PubMed 23919265 (cited by Labcorp Genetics (formerly Invitae), Labcorp).